The following is an entry in ClinVar:

NM_006269.2(RP1):c.3221T>A (p.Ile1074Lys)

Gene: RP1 (RP1 axonemal microtubule associated; plus strand). Cytogenetic location: 8q12.1.
Variant type: single nucleotide variant.
Coding change: c.3221T>A on transcript NM_006269.2 (MANE Select); coding-DNA position 3221, T replaced by A.
Protein change: p.Ile1074Lys; replaces isoleucine 1074 with lysine.
Molecular consequence: missense variant. On other transcripts: intron variant (1).
Genome position (GRCh38, 1-based): chr8:54,627,103, T>A. VCF-style: chr8-54627103-T-A. GRCh37 (hg19) VCF-style: chr8-55539663-T-A.
Other names: c.787+4815T>A (NM_001375654.1); short protein forms I1074K.
Identifiers: ClinVar variation 4762991 (VCV004762991.1).
Genomic context (GRCh38, chr8:54,627,103, plus strand): 5'-AGGAAATAAACCTAGCTAGAAAAAGGCAAAGTGTAGAGGCTGCCATTCAAGTAGATCCTA[T>A]AGAAGAGGAAACTCCAAAAGACCTCTTACCAGTCCTGATGCTTCACCAATTGCAAGCTTC-3'
Protein context (NP_006260.1, residues 1064-1084): SVEAAIQVDP[Ile1074Lys]EEETPKDLLP

ClinVar aggregate classification (germline): Uncertain significance (1 of 4 stars; one submission).

gnomAD v4.1: 2 of 1,614,084 alleles (0.00012%); highest among the groups gnomAD compares: Non-Finnish European, 0.00017%; no homozygotes.

Submission:

Labcorp Genetics (formerly Invitae), Labcorp
Classification: Uncertain significance. Last evaluated: 2025-04-28. Review status: criteria provided, single submitter. Criteria: Invitae Variant Classification Sherloc (09022015). Collection method: clinical testing. Allele origin: germline.
Comment: This sequence change replaces isoleucine, which is neutral and non-polar, with lysine, which is basic and polar, at codon 1074 of the RP1 protein (p.Ile1074Lys). This variant is not present in population databases (gnomAD no frequency). This variant has not been reported in the literature in individuals affected with RP1-related conditions. An algorithm developed to predict the effect of missense changes on protein structure and function (PolyPhen-2) suggests that this variant is likely to be tolerated. In summary, the available evidence is currently insufficient to determine the role of this variant in disease. Therefore, it has been classified as a Variant of Uncertain Significance.